The following is an entry in ClinVar:

ClinVar aggregate classification (germline): Uncertain significance (1 of 4 stars; one submission).

Conditions:
Cardiovascular phenotype. Identifiers: MedGen CN230736.

Allele frequency attached by ClinVar (database versions not stated): TOPMed below 0.00001.

Submission:

Ambry Genetics
Classification: Uncertain significance for Cardiovascular phenotype. Last evaluated: 2023-10-10. Review status: criteria provided, single submitter. Criteria: Ambry Variant Classification Scheme 2023. Collection method: clinical testing. Allele origin: germline.
Comment: The p.S2533C variant (also known as c.7598C>G), located in coding exon 21 of the TNXB gene, results from a C to G substitution at nucleotide position 7598. The serine at codon 2533 is replaced by cysteine, an amino acid with dissimilar properties. This amino acid position is conserved. In addition, this alteration is predicted to be tolerated by in silico analysis. Since supporting evidence is limited at this time, the clinical significance of this alteration remains unclear.

NM_001365276.2(TNXB):c.7598C>G (p.Ser2533Cys)

Gene: TNXB (tenascin XB; minus strand). Cytogenetic location: 6p21.33.
Variant type: single nucleotide variant.
Coding change: c.7598C>G on transcript NM_001365276.2 (MANE Select); coding-DNA position 7598, C replaced by G.
Protein change: p.Ser2533Cys; replaces serine 2533 with cysteine.
Molecular consequence: missense variant.
Genome position (GRCh38, 1-based): chr6:32,058,285, G>C on the plus strand (C>G on the coding strand, the complement: TNXB is on the minus strand). VCF-style: chr6-32058285-G-C. GRCh37 (hg19) VCF-style: chr6-32026062-G-C.
Other names: c.8339C>G, p.Ser2780Cys (NM_001428335.1); c.7598C>G, p.Ser2533Cys (NM_019105.8); short protein forms S2533C, S2780C.
Identifiers: ClinVar variation 3227322 (VCV003227322.1), dbSNP rs1190200074, ClinGen allele CA363551560.